The following is an entry in ClinVar:

ClinVar aggregate classification (germline): Uncertain significance (1 of 4 stars; one submission).

Conditions:
Primary ciliary dyskinesia. Also called: Ciliary dyskinesia. Identifiers: Orphanet 244, MedGen C0008780, MONDO:0016575, HP:0012265.

Allele frequency attached by ClinVar (database versions not stated): ExAC 0.00001; gnomAD exomes 0.00001; TOPMed 0.00001.
gnomAD v4.1: 5 of 1,614,120 alleles (0.00031%); highest among the groups gnomAD compares: Non-Finnish European, 0.00042%; no homozygotes.

Submission:

Labcorp Genetics (formerly Invitae), Labcorp
Classification: Uncertain significance for Primary ciliary dyskinesia. Last evaluated: 2024-08-13. Review status: criteria provided, single submitter. Criteria: Invitae Variant Classification Sherloc (09022015). Collection method: clinical testing. Allele origin: germline.
Comment: This sequence change replaces serine, which is neutral and polar, with glycine, which is neutral and non-polar, at codon 358 of the DNAAF1 protein (p.Ser358Gly). This variant is present in population databases (rs751146013, gnomAD 0.003%). This variant has not been reported in the literature in individuals affected with DNAAF1-related conditions. ClinVar contains an entry for this variant (Variation ID: 1505619). An algorithm developed to predict the effect of missense changes on protein structure and function outputs the following: PolyPhen-2: "Benign". The glycine amino acid residue is found in multiple mammalian species, which suggests that this missense change does not adversely affect protein function. In summary, the available evidence is currently insufficient to determine the role of this variant in disease. Therefore, it has been classified as a Variant of Uncertain Significance.

NM_178452.6(DNAAF1):c.1072A>G (p.Ser358Gly)

Gene: DNAAF1 (dynein axonemal assembly factor 1; plus strand). Cytogenetic location: 16q24.1.
Variant type: single nucleotide variant.
Coding change: c.1072A>G on transcript NM_178452.6 (MANE Select); coding-DNA position 1072, A replaced by G.
Protein change: p.Ser358Gly; replaces serine 358 with glycine.
Molecular consequence: missense variant.
Genome position (GRCh38, 1-based): chr16:84,169,900, A>G. VCF-style: chr16-84169900-A-G. GRCh37 (hg19) VCF-style: chr16-84203506-A-G.
Other names: c.364A>G, p.Ser122Gly (NM_001318756.1); short protein forms S122G, S358G.
Identifiers: ClinVar variation 1505619 (VCV001505619.5), dbSNP rs751146013, ClinGen allele CA8202759.